The following is an entry in ClinVar:

NM_000090.4(COL3A1):c.2051G>A (p.Gly684Glu)

Gene: COL3A1 (collagen type III alpha 1 chain; plus strand). Cytogenetic location: 2q32.2.
Variant type: single nucleotide variant.
Coding change: c.2051G>A on transcript NM_000090.4 (MANE Select); coding-DNA position 2051, G replaced by A.
Protein change: p.Gly684Glu; replaces glycine 684 with glutamic acid.
Molecular consequence: missense variant.
Genome position (GRCh38, 1-based): chr2:188,999,313, G>A. VCF-style: chr2-188999313-G-A. GRCh37 (hg19) VCF-style: chr2-189864039-G-A.
Other names: short protein forms G684E.
Identifiers: ClinVar variation 650784 (VCV000650784.10), dbSNP rs587779587, ClinGen allele CA349839940.

ClinVar aggregate classification (germline): Pathogenic/Likely pathogenic. Review status: criteria provided, multiple submitters, no conflicts (2 of 4 stars). 2 submissions from 2 submitters: Pathogenic (1); Likely pathogenic (1). Last evaluated 2026-01-24.

Conditions:
Familial thoracic aortic aneurysm and aortic dissection (TAAD). Also called: Thoracic aortic aneurysms and dissections. Identifiers: Orphanet 91387, MedGen C4707243, MONDO:0019625.
Ehlers-Danlos syndrome, type 4 (EDSVASC). Also called: Ehlers-Danlos syndrome vascular type; Ehlers Danlos syndrome, ecchymotic type; Ehlers Danlos syndrome, arterial type; Ehlers Danlos syndrome, Sack-Barabas type; Ehlers-Danlos Syndrome Type IV. Identifiers: Orphanet 286, MedGen C0268338, MONDO:0017314, OMIM 130050.

Submissions (2):

Labcorp Genetics (formerly Invitae), Labcorp
Classification: Pathogenic for Ehlers-Danlos syndrome, type 4. Last evaluated: 2026-01-24. Review status: criteria provided, single submitter. Criteria: Invitae Variant Classification Sherloc (09022015). Collection method: clinical testing. Allele origin: germline.
Comment: This sequence change replaces glycine, which is neutral and non-polar, with glutamic acid, which is acidic and polar, at codon 684 of the COL3A1 protein (p.Gly684Glu). This variant is not present in population databases (gnomAD no frequency). This missense change has been observed in individual(s) with aortic dilation (internal data). In at least one individual the variant was observed to be de novo. ClinVar contains an entry for this variant (Variation ID: 650784). Invitae Evidence Modeling of protein sequence and biophysical properties (such as structural, functional, and spatial information, amino acid conservation, physicochemical variation, residue mobility, and thermodynamic stability) indicates that this missense variant is expected to disrupt COL3A1 protein function with a positive predictive value of 95%. This variant disrupts the triple helix domain of COL3A1. Glycine residues within the Gly-Xaa-Yaa repeats of the triple helix domain are required for the structure and stability of fibrillar collagens (PMID: 7695699, 8218237, 19344236). In COL3A1, variants that affect these glycine residues are significantly enriched in individuals with disease (PMID: 24922459, 25758994) compared to the general population (ExAC). For these reasons, this variant has been classified as Pathogenic.

Ambry Genetics
Classification: Likely pathogenic for Familial thoracic aortic aneurysm and aortic dissection. Last evaluated: 2025-10-27. Review status: criteria provided, single submitter. Criteria: Ambry Variant Classification Scheme 2023. Collection method: clinical testing. Allele origin: germline.
Comment: The p.G684E variant (also known as c.2051G>A), located in coding exon 30 of the COL3A1 gene, results from a G to A substitution at nucleotide position 2051. The glycine at codon 684 is replaced by glutamic acid, an amino acid with similar properties. The majority (approximately two-thirds) ofCOL3A1mutations identified to date have involved the substitution of another amino acid for glycine within the triple-helical domain (Pepin MG et al.Genet Med. 2014;16(12):881-8; Frank M et al.Eur J Hum Genet. 2015;23(12):1657-64). Internal structural analysis has demonstrated that this alteration disrupts the characteristic G-X-Y motif in theCOL3A1protein and inserts a bulky side chain into asterically-constrainedregion (Bella J et al.Science.1994;266:75-81;HohenesterE et al.Proc. Natl.Acad. Sci. U.S.A.2008;105:18273-7; Ambry internal data). This amino acid position is highly conserved in available vertebrate species. In addition, this alteration is predicted to be deleterious by in silico analysis. This variant is considered to be rare based on population cohorts in the Genome Aggregation Database (gnomAD). Based on the majority of available evidence to date, this variant is likely to be pathogenic.

Literature cited by the submitters: PubMed 7695699 (cited by Labcorp Genetics (formerly Invitae), Labcorp); PubMed 8218237 (cited by Labcorp Genetics (formerly Invitae), Labcorp); PubMed 19344236 (cited by Labcorp Genetics (formerly Invitae), Labcorp); PubMed 24922459 (cited by Labcorp Genetics (formerly Invitae), Labcorp); PubMed 25758994 (cited by Labcorp Genetics (formerly Invitae), Labcorp).